The following is an entry in ClinVar:

ClinVar aggregate classification (germline): Uncertain significance (1 of 4 stars; one submission).

gnomAD v4.1: 2 of 1,596,892 alleles (0.00013%); highest among the groups gnomAD compares: South Asian, 0.0011%; no homozygotes.

Submission:

Ambry Genetics
Classification: Uncertain significance. Last evaluated: 2025-04-14. Review status: criteria provided, single submitter. Criteria: Ambry Variant Classification Scheme 2023. Collection method: clinical testing. Allele origin: germline.
Comment: The p.Y1031C variant (also known as c.3092A>G), located in coding exon 12 of the WNK2 gene, results from an A to G substitution at nucleotide position 3092. The tyrosine at codon 1031 is replaced by cysteine, an amino acid with highly dissimilar properties. This amino acid position is conserved. In addition, the in silico prediction for this alteration is inconclusive. Based on the available evidence, the clinical significance of this variant remains unclear.

NM_006648.4(WNK2):c.3092A>G (p.Tyr1031Cys)

Gene: WNK2 (WNK lysine deficient protein kinase 2; plus strand). Cytogenetic location: 9q22.31.
Variant type: single nucleotide variant.
Coding change: c.3092A>G on transcript NM_006648.4 (MANE Select); coding-DNA position 3092, A replaced by G.
Protein change: p.Tyr1031Cys; replaces tyrosine 1031 with cysteine.
Molecular consequence: missense variant.
Genome position (GRCh38, 1-based): chr9:93,261,839, A>G. VCF-style: chr9-93261839-A-G. GRCh37 (hg19) VCF-style: chr9-96024121-A-G.
Other names: c.3092A>G, p.Tyr1031Cys (NM_001282394.3); short protein forms Y1031C.
Identifiers: ClinVar variation 3981885 (VCV003981885.1).